The following is an entry in ClinVar:

ClinVar aggregate classification (germline): Uncertain significance (1 of 4 stars; one submission).

gnomAD v4.1: 1 of 1,613,860 alleles (0.000062%); highest among the groups gnomAD compares: African/African-American, 0.0013%; no homozygotes.

Submission:

Labcorp Genetics (formerly Invitae), Labcorp
Classification: Uncertain significance. Last evaluated: 2025-10-26. Review status: criteria provided, single submitter. Criteria: Invitae Variant Classification Sherloc (09022015). Collection method: clinical testing. Allele origin: germline.
Comment: This sequence change replaces serine, which is neutral and polar, with phenylalanine, which is neutral and non-polar, at codon 555 of the NUP133 protein (p.Ser555Phe). This variant is not present in population databases (gnomAD no frequency). This variant has not been reported in the literature in individuals affected with NUP133-related conditions. An algorithm developed to predict the effect of missense changes on protein structure and function (PolyPhen-2) suggests that this variant is likely to be tolerated. In summary, the available evidence is currently insufficient to determine the role of this variant in disease. Therefore, it has been classified as a Variant of Uncertain Significance.

NM_018230.3(NUP133):c.1664C>T (p.Ser555Phe)

Gene: NUP133 (nucleoporin 133; minus strand). Cytogenetic location: 1q42.13.
Variant type: single nucleotide variant.
Coding change: c.1664C>T on transcript NM_018230.3 (MANE Select); coding-DNA position 1664, C replaced by T.
Protein change: p.Ser555Phe; replaces serine 555 with phenylalanine.
Molecular consequence: missense variant.
Genome position (GRCh38, 1-based): chr1:229,477,689, G>A on the plus strand (C>T on the coding strand, the complement: NUP133 is on the minus strand). VCF-style: chr1-229477689-G-A. GRCh37 (hg19) VCF-style: chr1-229613436-G-A.
Other names: short protein forms S555F.
Identifiers: ClinVar variation 4703397 (VCV004703397.1).